The following is an entry in ClinVar:

NM_006206.6(PDGFRA):c.452G>A (p.Arg151His)

Gene: PDGFRA (platelet derived growth factor receptor alpha; plus strand). Cytogenetic location: 4q12.
Variant type: single nucleotide variant.
Coding change: c.452G>A on transcript NM_006206.6 (MANE Select); coding-DNA position 452, G replaced by A.
Protein change: p.Arg151His; replaces arginine 151 with histidine.
Molecular consequence: missense variant.
Genome position (GRCh38, 1-based): chr4:54,263,751, G>A. VCF-style: chr4-54263751-G-A. GRCh37 (hg19) VCF-style: chr4-55129918-G-A.
Other names: c.452G>A, p.Arg151His (NM_001347827.2, NM_001347829.2); c.527G>A, p.Arg176His (NM_001347828.2); c.491G>A, p.Arg164His (NM_001347830.2); short protein forms R151H, R176H, R164H.
Identifiers: ClinVar variation 407374 (VCV000407374.19), dbSNP rs1060501501, ClinGen allele CA16611452.

ClinVar aggregate classification (germline): Uncertain significance. Review status: criteria provided, multiple submitters, no conflicts (2 of 4 stars). 2 submissions from 2 submitters: Uncertain significance (2). Last evaluated 2026-03-26.

Conditions:
Gastrointestinal stromal tumor. Also called: Gastrointestinal stromal tumor, somatic; Gastrointestinal stroma tumor. Identifiers: Orphanet 44890, MedGen C0238198, MeSH D046152, MONDO:0011719, OMIM 606764, HP:0100723.
Hereditary cancer-predisposing syndrome. Also called: Neoplastic Syndromes, Hereditary; Hereditary Cancer Syndrome; Hereditary neoplastic syndrome; Tumor predisposition. Identifiers: Orphanet 140162, MedGen C0027672, MeSH D009386, MONDO:0015356.

Allele frequency attached by ClinVar (database versions not stated): gnomAD exomes below 0.00001.
gnomAD v4.1: 3 of 1,613,912 alleles (0.00019%); highest among the groups gnomAD compares: African/African-American, 0.0013%; no homozygotes.

Submissions (2):

Ambry Genetics
Classification: Uncertain significance for Hereditary cancer-predisposing syndrome. Last evaluated: 2026-03-26. Review status: criteria provided, single submitter. Criteria: Ambry Variant Classification Scheme 2023. Collection method: clinical testing. Allele origin: germline.
Comment: The p.R151H variant (also known as c.452G>A), located in coding exon 3 of the PDGFRA gene, results from a G to A substitution at nucleotide position 452. The arginine at codon 151 is replaced by histidine, an amino acid with highly similar properties. This amino acid position is highly conserved in available vertebrate species. In addition, the in silico prediction for this alteration is inconclusive. Based on the available evidence, the clinical significance of this variant remains unclear.

Labcorp Genetics (formerly Invitae), Labcorp
Classification: Uncertain significance for Gastrointestinal stromal tumor. Last evaluated: 2025-04-14. Review status: criteria provided, single submitter. Criteria: Invitae Variant Classification Sherloc (09022015). Collection method: clinical testing. Allele origin: germline.
Comment: This sequence change replaces arginine, which is basic and polar, with histidine, which is basic and polar, at codon 151 of the PDGFRA protein (p.Arg151His). This variant is not present in population databases (gnomAD no frequency). This missense change has been observed in individual(s) with ovarian cancer (PMID: 30093976). ClinVar contains an entry for this variant (Variation ID: 407374). Invitae Evidence Modeling of protein sequence and biophysical properties (such as structural, functional, and spatial information, amino acid conservation, physicochemical variation, residue mobility, and thermodynamic stability) indicates that this missense variant is not expected to disrupt PDGFRA protein function with a negative predictive value of 80%. In summary, the available evidence is currently insufficient to determine the role of this variant in disease. Therefore, it has been classified as a Variant of Uncertain Significance.

Literature cited by the submitters: PubMed 30093976 (cited by Labcorp Genetics (formerly Invitae), Labcorp).